The following is an entry in ClinVar:

ClinVar aggregate classification (germline): Uncertain significance. Review status: criteria provided, multiple submitters, no conflicts (2 of 4 stars). 2 submissions from 2 submitters: Uncertain significance (2). Last evaluated 2022-04-28.

Conditions:
Developmental and epileptic encephalopathy, 46 (DEE46). Also called: Epileptic encephalopathy, early infantile, 46; GRIN2D-Related Developmental and Epileptic Encephalopathy. Identifiers: MedGen C4310687, MONDO:0014947, OMIM 617162.

gnomAD v4.1: 4 of 1,485,166 alleles (0.00027%); highest among the groups gnomAD compares: South Asian, 0.0051%; no homozygotes.

Submissions (2):

Labcorp Genetics (formerly Invitae), Labcorp
Classification: Uncertain significance. Last evaluated: 2022-04-28. Review status: criteria provided, single submitter. Criteria: Invitae Variant Classification Sherloc (09022015). Collection method: clinical testing. Allele origin: germline.
Comment: This variant has not been reported in the literature in individuals affected with GRIN2D-related conditions. This variant is not present in population databases (gnomAD no frequency). This sequence change replaces proline, which is neutral and non-polar, with arginine, which is basic and polar, at codon 1308 of the GRIN2D protein (p.Pro1308Arg). Advanced modeling of protein sequence and biophysical properties (such as structural, functional, and spatial information, amino acid conservation, physicochemical variation, residue mobility, and thermodynamic stability) performed at Invitae indicates that this missense variant is not expected to disrupt GRIN2D protein function. In summary, the available evidence is currently insufficient to determine the role of this variant in disease. Therefore, it has been classified as a Variant of Uncertain Significance.

Neuberg Centre For Genomic Medicine, NCGM
Classification: Uncertain significance for Developmental and epileptic encephalopathy, 46. Review status: criteria provided, single submitter. Criteria: ACMG Guidelines, 2015. Collection method: clinical testing. Allele origin: germline. Inheritance: Autosomal dominant inheritance. Affected: yes.
Comment: The observed missense variant c.3923C>G(p.Pro1308Arg) in the GRIN2D gene has not been reported previously as a pathogenic variant nor as a benign variant, to our knowledge. This variant is absent in the gnomAD Exomes. This variant has been reported to the ClinVar database as Uncertain Significance. However, no details are available for independent assessment. The amino acid Pro at position 1308 is changed to a Arg changing protein sequence and it might alter its composition and physico- chemical properties. Computational evidence (Polyphen - Benign, SIFT - Damaging and MutationTaster - Polymorphism) predicts conflicting evidence on protein structure and function for this variant. The residue is conserved by GERP++ and PhyloP across 100 vertebrates. For these reasons, this variant has been classified as Uncertain Significance.

NM_000836.4(GRIN2D):c.3923C>G (p.Pro1308Arg)

Gene: GRIN2D (glutamate ionotropic receptor NMDA type subunit 2D; plus strand). Cytogenetic location: 19q13.33.
Variant type: single nucleotide variant.
Coding change: c.3923C>G on transcript NM_000836.4 (MANE Select); coding-DNA position 3923, C replaced by G.
Protein change: p.Pro1308Arg; replaces proline 1308 with arginine.
Molecular consequence: missense variant.
Genome position (GRCh38, 1-based): chr19:48,443,849, C>G. VCF-style: chr19-48443849-C-G. GRCh37 (hg19) VCF-style: chr19-48947106-C-G.
Other names: short protein forms P1308R.
Identifiers: ClinVar variation 2131346 (VCV002131346.4), dbSNP rs948689112, ClinGen allele CA406678993.